The following is an entry in ClinVar:

ClinVar aggregate classification (germline): Uncertain significance. Review status: criteria provided, multiple submitters, no conflicts (2 of 4 stars). 2 submissions from 2 submitters: Uncertain significance (2). Last evaluated 2025-11-24.

Conditions:
Malignant hyperthermia, susceptibility to, 1 (MHS1). Also called: RYR1-Related Malignant Hyperthermia Susceptibility; Anesthesia related hyperthermia; Malignant hyperpyrexia; Fulminating hyperpyrexia; Pharmacogenic myopathy; Malignant hyperthermia suceptibility 1. Identifiers: Orphanet 423, MedGen C2930980, MONDO:0007783, OMIM 145600.

Allele frequency attached by ClinVar (database versions not stated): gnomAD exomes below 0.00001; TOPMed below 0.00001.
gnomAD v4.1: 7 of 1,613,980 alleles (0.00043%); highest among the groups gnomAD compares: Non-Finnish European, 0.00051%; no homozygotes.

Submissions (2):

Color Diagnostics, LLC DBA Color Health
Classification: Uncertain significance for Malignant hyperthermia, susceptibility to, 1. Last evaluated: 2025-11-24. Review status: criteria provided, single submitter. Criteria: ACMG Guidelines, 2015. Collection method: clinical testing. Allele origin: germline.
Comment: This missense variant replaces arginine with glutamine at codon 4680 of the RYR1 protein. Computational prediction suggests that this variant may have deleterious impact on protein structure and function. To our knowledge, functional studies have not been reported for this variant. This variant has not been reported in individuals affected with RYR1-related disorders in the literature. This variant has been identified in 7/1613980 chromosomes in the general population by the Genome Aggregation Database (gnomAD). The available evidence is insufficient to determine the role of this variant in disease conclusively. Therefore, this variant is classified as a Variant of Uncertain Significance.

All of Us Research Program, National Institutes of Health
Classification: Uncertain significance for Malignant hyperthermia, susceptibility to, 1. Last evaluated: 2023-03-28. Review status: criteria provided, single submitter. Criteria: ACMG Guidelines, 2015. Collection method: clinical testing. Allele origin: germline. Inheritance: Autosomal dominant inheritance. Observed: 1 variant allele, 1 heterozygote.
Comment: This study involves interpretation of variants in research participants for the purpose of population health screening. Participant phenotype was not available at the time of variant classification. Additional details can be found in publication PMID: 35346344, PMCID: PMC8962531

NM_000540.3(RYR1):c.14039G>A (p.Arg4680Gln)

Gene: RYR1 (ryanodine receptor 1; plus strand). Cytogenetic location: 19q13.2.
Variant type: single nucleotide variant.
Coding change: c.14039G>A on transcript NM_000540.3 (MANE Select); coding-DNA position 14039, G replaced by A.
Protein change: p.Arg4680Gln; replaces arginine 4680 with glutamine.
Molecular consequence: missense variant.
Genome position (GRCh38, 1-based): chr19:38,573,217, G>A. VCF-style: chr19-38573217-G-A. GRCh37 (hg19) VCF-style: chr19-39063857-G-A.
Other names: c.14024G>A, p.Arg4675Gln (NM_001042723.2); short protein forms R4675Q, R4680Q.
Identifiers: ClinVar variation 3069996 (VCV003069996.2), dbSNP rs1973803521, ClinGen allele CA405682083.
Genomic context (GRCh38, chr19:38,573,217, plus strand): 5'-GGCCTCCTCCCACTATCCAGGTGCCCCTGGTAATCTTTAAGCGGGAGAAGGAGCTGGCCC[G>A]GAAGCTGGAGTTTGATGGCCTGTACATCACGGAGCAGCCTGAGGACGATGACGTGAAGGG-3'
Protein context (NP_000531.2, residues 4670-4690): VIFKREKELA[Arg4680Gln]KLEFDGLYIT